The following is an entry in ClinVar:

NM_144596.4(TTC8):c.1051C>T (p.Arg351Trp)

Gene: TTC8 (tetratricopeptide repeat domain 8; plus strand). Cytogenetic location: 14q31.3.
Variant type: single nucleotide variant.
Coding change: c.1051C>T on transcript NM_144596.4 (MANE Select); coding-DNA position 1051, C replaced by T.
Protein change: p.Arg351Trp; replaces arginine 351 with tryptophan.
Molecular consequence: missense variant. On other transcripts: non-coding transcript variant (1).
Genome position (GRCh38, 1-based): chr14:88,871,550, C>T. VCF-style: chr14-88871550-C-T. GRCh37 (hg19) VCF-style: chr14-89337894-C-T.
Other names: c.1051C>T (NM_144596.3); c.1099C>T, p.Arg367Trp (NM_001288781.1); c.457C>T, p.Arg153Trp (NM_001288782.1); c.334C>T, p.Arg112Trp (NM_001288783.1); c.1021C>T, p.Arg341Trp (NM_001366535.2, NM_198309.3); c.931C>T, p.Arg311Trp (NM_001366536.2, NM_198310.3); short protein forms R341W, R351W, R112W, R311W, R367W, R153W.
Identifiers: ClinVar variation 423070 (VCV000423070.13), dbSNP rs755412340, ClinGen allele CA7302665.

ClinVar aggregate classification (germline): Uncertain significance. Review status: criteria provided, multiple submitters, no conflicts (2 of 4 stars). 6 submissions from 6 submitters: Uncertain significance (5). 1 of the submissions does not count toward it. Last evaluated 2026-08-06.

Conditions:
TTC8-related disorder. Also called: TTC8-related condition.
Retinitis pigmentosa 51 (RP51). Identifiers: Orphanet 791, MedGen C3150715, MONDO:0013274, OMIM 613464.
Bardet-Biedl syndrome 8 (BBS8). Identifiers: Orphanet 110, MedGen C1859566, MONDO:0014436, OMIM 615985.
Bardet-Biedl syndrome (BBS). Identifiers: Orphanet 110, MedGen C0752166, MONDO:0015229.

Allele frequency attached by ClinVar (database versions not stated): gnomAD exomes 0.00001 and 0.00002; ExAC 0.00003; gnomAD 0.00005 and 0.00006; TOPMed 0.00005.
gnomAD v4.1: 19 of 1,613,394 alleles (0.0012%); highest among the groups gnomAD compares: African/African-American, 0.011%; no homozygotes.

Submissions (6):

OLLIN Analises Genomicas, OLLIN
Classification: Uncertain significance. Last evaluated: 2026-08-06. Review status: criteria provided, single submitter. Criteria: ACMG Guidelines 2015 PMID 25741868. Collection method: clinical testing. Allele origin: germline.
Comment: This missense variant, located in exon 12 (of 15), has been reported in ClinVar (accession VCV000423070.12) and in gnomAD with an allele frequency of 0.0012%. However, to our knowledge, it has not been reported in the scientific literature. In silico analysis is inconclusive regarding the impact of this variant. According to the currently available evidence, this variant has been classified as uncertain significance (PM2_P).

Fulgent Genetics
Classification: Uncertain significance for Retinitis pigmentosa 51; Bardet-Biedl syndrome 8. Last evaluated: 2024-05-21. Review status: criteria provided, single submitter. Criteria: ACMG Guidelines, 2015. Collection method: clinical testing. Allele origin: germline.

New York Genome Center
Classification: Uncertain significance for Bardet-Biedl syndrome 8. Last evaluated: 2022-10-24. Review status: criteria provided, single submitter. Criteria: NYGC Assertion Criteria 2020. Collection method: clinical testing. Allele origin: germline. Observed: 1 heterozygote.

Labcorp Genetics (formerly Invitae), Labcorp
Classification: Uncertain significance for Bardet-Biedl syndrome. Last evaluated: 2021-09-01. Review status: criteria provided, single submitter. Criteria: Invitae Variant Classification Sherloc (09022015). Collection method: clinical testing. Allele origin: germline.
Comment: This sequence change replaces arginine with tryptophan at codon 341 of the TTC8 protein (p.Arg341Trp). The arginine residue is highly conserved and there is a moderate physicochemical difference between arginine and tryptophan. This variant is present in population databases (rs755412340, ExAC 0.03%). This variant has not been reported in the literature in individuals affected with TTC8-related conditions. ClinVar contains an entry for this variant (Variation ID: 423070). Algorithms developed to predict the effect of missense changes on protein structure and function are either unavailable or do not agree on the potential impact of this missense change (SIFT: "Deleterious"; PolyPhen-2: "Probably Damaging"; Align-GVGD: "Class C0"). Algorithms developed to predict the effect of sequence changes on RNA splicing suggest that this variant may create or strengthen a splice site. In summary, the available evidence is currently insufficient to determine the role of this variant in disease. Therefore, it has been classified as a Variant of Uncertain Significance.

GeneDx
Classification: Uncertain significance. Last evaluated: 2017-02-03. Review status: criteria provided, single submitter. Criteria: GeneDx Variant Classification (06012015). Collection method: clinical testing. Allele origin: germline. Affected: yes.
Comment: The R341W variant in the TTC8 gene has not been reported previously as a pathogenic variant, nor as a benign variant, to our knowledge. The R341W variant is not observed at a significant frequency in large population cohorts (Lek et al., 2016; 1000 Genomes Consortium et al., 2015; Exome Variant Server). The R341W variant is a non-conservative amino acid substitution, which is likely to impact secondary protein structure as these residues differ in polarity, charge, size and/or other properties. This substitution occurs at a position that is conserved across species. In silico analysis predicts this variant is probably damaging to the protein structure/function. We interpret R341W as a variant of uncertain significance.

PreventionGenetics, part of Exact Sciences
Classification: Uncertain significance for TTC8-related condition. Last evaluated: 2024-09-17. Review status: no assertion criteria provided. Collection method: clinical testing. Allele origin: germline. Not counted in ClinVar's aggregate classification.
Comment: The TTC8 c.1051C>T variant is predicted to result in the amino acid substitution p.Arg351Trp. To our knowledge, this variant has not been reported in the literature. This variant is reported in 0.020% of alleles in individuals of African descent in gnomAD. At this time, the clinical significance of this variant is uncertain due to the absence of conclusive functional and genetic evidence.